The following is an entry in ClinVar:

ClinVar aggregate classification (germline): Conflicting classifications of pathogenicity. Review status: criteria provided, conflicting classifications (1 of 4 stars). 2 submissions from 2 submitters: Uncertain significance (1); Likely benign (1). Last evaluated 2025-12-23.

Conditions:
FDXR-related disorder. Also called: FDXR-related condition; FDXR-related disorders.

Submissions (2):

PreventionGenetics, part of Exact Sciences
Classification: Uncertain significance for FDXR-related condition. Last evaluated: 2025-12-23. Review status: criteria provided, single submitter. Criteria: ACMG Guidelines, 2015. Collection method: clinical testing. Allele origin: germline.
Comment: The FDXR c.848C>T variant is predicted to result in the amino acid substitution p.Thr283Met. To our knowledge, this variant has not been reported in the literature. This variant is reported in 0.11% of alleles in individuals of East Asian descent in gnomAD. Although we suspect that this variant may be benign, at this time, the clinical significance of this variant is uncertain due to the absence of conclusive functional and genetic evidence.

Blueprint Genetics
Classification: Likely benign. Last evaluated: 2024-11-12. Review status: criteria provided, single submitter. Criteria: ACMG Guidelines, 2015. Collection method: clinical testing. Allele origin: germline.

NM_024417.5(FDXR):c.848C>T (p.Thr283Met)

Gene: FDXR (ferredoxin reductase; minus strand). Cytogenetic location: 17q25.1.
Variant type: single nucleotide variant.
Coding change: c.848C>T on transcript NM_024417.5 (MANE Select); coding-DNA position 848, C replaced by T.
Protein change: p.Thr283Met; replaces threonine 283 with methionine.
Molecular consequence: missense variant. On other transcripts: non-coding transcript variant (1).
Genome position (GRCh38, 1-based): chr17:74,864,302, G>A on the plus strand (C>T on the coding strand, the complement: FDXR is on the minus strand). VCF-style: chr17-74864302-G-A. GRCh37 (hg19) VCF-style: chr17-72860424-G-A.
Other names: c.848C>T (NM_024417.4); c.977C>T, p.Thr326Met (NM_001258012.4); c.941C>T, p.Thr314Met (NM_001258013.4); c.824C>T, p.Thr275Met (NM_001258014.4); c.728C>T, p.Thr243Met (NM_001258015.3); c.692C>T, p.Thr231Met (NM_001258016.3); c.866C>T, p.Thr289Met (NM_004110.6); short protein forms T243M, T275M, T289M, T231M, T283M, T314M, T326M.
Identifiers: ClinVar variation 4936886 (VCV004936886.2).